The following is an entry in ClinVar:

ClinVar aggregate classification (germline): Uncertain significance (1 of 4 stars; one submission).

Allele frequency attached by ClinVar (database versions not stated): gnomAD exomes below 0.00001.
gnomAD v4.1: 1 of 1,613,866 alleles (0.000062%); highest among the groups gnomAD compares: Admixed American, 0.0017%; no homozygotes.

Submission:

Labcorp Genetics (formerly Invitae), Labcorp
Classification: Uncertain significance. Last evaluated: 2023-06-16. Review status: criteria provided, single submitter. Criteria: Invitae Variant Classification Sherloc (09022015). Collection method: clinical testing. Allele origin: germline.
Comment: In summary, the available evidence is currently insufficient to determine the role of this variant in disease. Therefore, it has been classified as a Variant of Uncertain Significance. This sequence change affects a donor splice site in intron 3 of the SEMA4A gene. It is expected to disrupt RNA splicing. Variants that disrupt the donor or acceptor splice site typically lead to a loss of protein function (PMID: 16199547), however the current clinical and genetic evidence is not sufficient to establish whether loss-of-function variants in SEMA4A cause disease. This variant is not present in population databases (gnomAD no frequency). This variant has not been reported in the literature in individuals affected with SEMA4A-related conditions. Algorithms developed to predict the effect of sequence changes on RNA splicing suggest that this variant may disrupt the consensus splice site.

Literature cited by the submitters: PubMed 16199547.

NM_022367.4(SEMA4A):c.300+1G>T

Gene: SEMA4A (semaphorin 4A; plus strand). Cytogenetic location: 1q22.
Variant type: single nucleotide variant.
Coding change: c.300+1G>T on transcript NM_022367.4 (MANE Select); the canonical splice donor site of the intron after coding-DNA position 300, G replaced by T.
Molecular consequence: splice donor variant.
Genome position (GRCh38, 1-based): chr1:156,156,575, G>T. VCF-style: chr1-156156575-G-T. GRCh37 (hg19) VCF-style: chr1-156126366-G-T.
Other names: c.-225+1G>T (NM_001370571.1, NM_001370569.1); c.300+1G>T (NM_001193300.2, NM_001193301.2, NM_001370567.1); c.3+1G>T (NM_001370568.1, NM_001193302.2).
Identifiers: ClinVar variation 2873625 (VCV002873625.3), dbSNP rs2528121206, ClinGen allele CA342834796.
Genomic context (GRCh38, chr1:156,156,575, plus strand): 5'-CGAGAAGCCATTCTGGCCTTGGATATCCAGGATCCAGGGGTCCCCAGGCTAAAGAACATG[G>T]TGAGGAGTCCAGGGATAAAGAGTGTGGGCTGGGAGTGAAGAGGGGGCCGGCAGCTACCCT-3'